The following is an entry in ClinVar:

ClinVar aggregate classification (germline): Likely pathogenic (0 of 4 stars; one submission).

Conditions:
Usher syndrome type 2A. Also called: RETINAL DISEASE IN USHER SYNDROME TYPE IIA, MODIFIER OF; USHER SYNDROME, TYPE IIA. Identifiers: Orphanet 231178, Orphanet 886, MedGen C1848634, MONDO:0010169, OMIM 276901.

Submission:

Department of Ophthalmology and Visual Sciences Kyoto University
Classification: Likely pathogenic for Usher syndrome, type 2A. Review status: no assertion criteria provided. Collection method: not provided. Allele origin: unknown.
ClinVar note: Converted during submission from probable-pathogenic to Likely pathogenic.

NM_206933.4(USH2A):c.12079C>T (p.Gln4027Ter)

Gene: USH2A (usherin; minus strand). Cytogenetic location: 1q41.
Variant type: single nucleotide variant.
Coding change: c.12079C>T on transcript NM_206933.4 (MANE Select); coding-DNA position 12079, C replaced by T.
Protein change: p.Gln4027Ter; replaces glutamine 4027 with a stop codon.
Molecular consequence: nonsense.
Genome position (GRCh38, 1-based): chr1:215,680,364, G>A on the plus strand (C>T on the coding strand, the complement: USH2A is on the minus strand). VCF-style: chr1-215680364-G-A. GRCh37 (hg19) VCF-style: chr1-215853706-G-A.
Other names: short protein forms Q4027*.
Identifiers: ClinVar variation 143171 (VCV000143171.2), dbSNP rs527236138, ClinGen allele CA270137.